The following is an entry in ClinVar:

ClinVar aggregate classification (germline): Uncertain significance. Review status: criteria provided, multiple submitters, no conflicts (2 of 4 stars). 4 submissions from 4 submitters: Uncertain significance (4). Last evaluated 2025-06-15.

Conditions:
Congenital contractural arachnodactyly (CCA). Also called: BEALS SYNDROME; Arthrogryposis, distal, type 9; Beals-Hecht syndrome. Identifiers: Orphanet 115, MedGen C0220668, MONDO:0007363, OMIM 121050.
Familial thoracic aortic aneurysm and aortic dissection (TAAD). Also called: Thoracic aortic aneurysms and dissections. Identifiers: Orphanet 91387, MedGen C4707243, MONDO:0019625.

Allele frequency attached by ClinVar (database versions not stated): gnomAD 0.00001; ExAC 0.00002; gnomAD exomes 0.00002 and 0.00003; TOPMed 0.00002.
gnomAD v4.1: 38 of 1,613,996 alleles (0.0024%); highest among the groups gnomAD compares: Non-Finnish European, 0.0031%; no homozygotes.

Submissions (4):

Labcorp Genetics (formerly Invitae), Labcorp
Classification: Uncertain significance for Congenital contractural arachnodactyly. Last evaluated: 2025-06-15. Review status: criteria provided, single submitter. Criteria: Invitae Variant Classification Sherloc (09022015). Collection method: clinical testing. Allele origin: germline.
Comment: This sequence change replaces proline, which is neutral and non-polar, with serine, which is neutral and polar, at codon 1193 of the FBN2 protein (p.Pro1193Ser). This variant is present in population databases (rs749905043, gnomAD 0.006%). This variant has not been reported in the literature in individuals affected with FBN2-related conditions. ClinVar contains an entry for this variant (Variation ID: 641153). An algorithm developed to predict the effect of missense changes on protein structure and function outputs the following: PolyPhen-2: "Benign". The serine amino acid residue is found in multiple mammalian species, which suggests that this missense change does not adversely affect protein function. In summary, the available evidence is currently insufficient to determine the role of this variant in disease. Therefore, it has been classified as a Variant of Uncertain Significance.

Ambry Genetics
Classification: Uncertain significance for Familial thoracic aortic aneurysm and aortic dissection. Last evaluated: 2023-11-13. Review status: criteria provided, single submitter. Criteria: Ambry Variant Classification Scheme 2023. Collection method: clinical testing. Allele origin: germline.
Comment: The p.P1193S variant (also known as c.3577C>T), located in coding exon 27 of the FBN2 gene, results from a C to T substitution at nucleotide position 3577. The proline at codon 1193 is replaced by serine, an amino acid with similar properties. This amino acid position is well conserved in available vertebrate species. In addition, the in silico prediction for this alteration is inconclusive. Since supporting evidence is limited at this time, the clinical significance of this alteration remains unclear.

GeneDx
Classification: Uncertain significance. Last evaluated: 2019-10-29. Review status: criteria provided, single submitter. Criteria: GeneDx Variant Classification Process June 2021. Collection method: clinical testing. Allele origin: germline. Affected: yes.
Comment: In silico analysis, which includes protein predictors and evolutionary conservation, supports a deleterious effect; Has not been previously published as pathogenic or benign to our knowledge; Reported in ClinVar but additional evidence is not available (ClinVar Variant ID# 641153; Landrum et al., 2016); Although located in a calcium-binding EGF-like domain of the FBN2 gene, it does not affect a cysteine residue within this domain; cysteine substitutions in the calcium-binding EGF-like domains represent the majority of pathogenic missense changes associated with FBN2-related disorders (Collod-Beroud et al., 2003; Frederic et al., 2009)

Illumina Laboratory Services, Illumina
Classification: Uncertain significance for Congenital contractural arachnodactyly. Last evaluated: 2018-01-12. Review status: criteria provided, single submitter. Criteria: ICSL Variant Classification Criteria 13 December 2019. Collection method: clinical testing. Allele origin: germline.

NM_001999.4(FBN2):c.3577C>T (p.Pro1193Ser)

Gene: FBN2 (fibrillin 2; minus strand). Cytogenetic location: 5q23.3.
Variant type: single nucleotide variant.
Coding change: c.3577C>T on transcript NM_001999.4 (MANE Select); coding-DNA position 3577, C replaced by T.
Protein change: p.Pro1193Ser; replaces proline 1193 with serine.
Molecular consequence: missense variant.
Genome position (GRCh38, 1-based): chr5:128,338,018, G>A on the plus strand (C>T on the coding strand, the complement: FBN2 is on the minus strand). VCF-style: chr5-128338018-G-A. GRCh37 (hg19) VCF-style: chr5-127673710-G-A.
Other names: short protein forms P1193S.
Identifiers: ClinVar variation 641153 (VCV000641153.16), dbSNP rs749905043, ClinGen allele CA3395199.
Genomic context (GRCh38, chr5:128,338,018, plus strand): 5'-TGTGCTGGGCAGGTTTATGTGCTGAGGAGATAAACTCACCCACACAGTCCTCACGGGATG[G>A]TGACAGCTCGTGTCCCAGTGGGCAGTCACACTGAAAGCTGCCCTCAGTGTTCACACAGGT-3'
Protein context (NP_001990.2, residues 1183-1203): CDCPLGHELS[Pro1193Ser]SREDCVDINE